The following is an entry in ClinVar:

NM_052988.5(CDK10):c.645G>A (p.Thr215=)

Gene: CDK10 (cyclin dependent kinase 10; plus strand). Cytogenetic location: 16q24.3.
Variant type: single nucleotide variant.
Coding change: c.645G>A on transcript NM_052988.5 (MANE Select); coding-DNA position 645, G replaced by A.
Protein change: p.Thr215=; no amino-acid change (threonine 215 retained).
Molecular consequence: synonymous variant. On other transcripts: non-coding transcript variant (2).
Genome position (GRCh38, 1-based): chr16:89,694,209, G>A. VCF-style: chr16-89694209-G-A. GRCh37 (hg19) VCF-style: chr16-89760617-G-A.
Other names: c.432G>A, p.Thr144= (NM_001098533.3, NM_001160367.2, NM_052987.4).
Identifiers: ClinVar variation 2570959 (VCV002570959.27), dbSNP rs775780737, ClinGen allele CA8248031.
Genomic context (GRCh38, chr16:89,694,209, plus strand): 5'-TGAGGTGGGTGCTTCTGTGTGTAGGTACCGAGCCCCTGAACTGCTGTTGGGAACCACCAC[G>A]CAGACCACCAGCATCGACATGTGGTGAGGAGATACGGTTACCGCTCCTGGGGCCTCAGGA-3'
Protein context (NP_443714.3, residues 205-225): RAPELLLGTT[Thr215=]QTTSIDMWAV

ClinVar aggregate classification (germline): Likely benign (1 of 4 stars; one submission).

Allele frequency attached by ClinVar (database versions not stated): TOPMed 0.00001; gnomAD exomes 0.00002; ExAC 0.00005; gnomAD 0.00005.
gnomAD v4.1: 34 of 1,613,904 alleles (0.0021%); highest among the groups gnomAD compares: East Asian, 0.0045%; no homozygotes.

Submission:

CeGaT Center for Human Genetics Tuebingen
Classification: Likely benign. Last evaluated: 2023-04-01. Review status: criteria provided, single submitter. Criteria: CeGaT Center For Human Genetics Tuebingen Variant Classification Criteria Version 2. Collection method: clinical testing. Allele origin: germline. Affected: yes. Observed: 1 variant allele.
Comment: CDK10: BP4, BP7